The following is an entry in ClinVar:

NM_017763.6(RNF43):c.1292G>A (p.Cys431Tyr)

Gene: RNF43 (ring finger protein 43; minus strand). Cytogenetic location: 17q22.
Variant type: single nucleotide variant.
Coding change: c.1292G>A on transcript NM_017763.6 (MANE Select); coding-DNA position 1292, G replaced by A.
Protein change: p.Cys431Tyr; replaces cysteine 431 with tyrosine.
Molecular consequence: missense variant.
Genome position (GRCh38, 1-based): chr17:58,358,484, C>T on the plus strand (G>A on the coding strand, the complement: RNF43 is on the minus strand). VCF-style: chr17-58358484-C-T. GRCh37 (hg19) VCF-style: chr17-56435845-C-T.
Other names: c.1292G>A, p.Cys431Tyr (NM_001305544.3); c.911G>A, p.Cys304Tyr (NM_001305545.2); short protein forms C304Y, C431Y.
Identifiers: ClinVar variation 3342488 (VCV003342488.2).
Genomic context (GRCh38, chr17:58,358,484, plus strand): 5'-CAATAGCTTTCTCCAGATCCACTGCTGTCAGGGGGCCTGGCCCGGCGTAGGGGCACTGGG[C>T]AAGCAGCAGGGTGCTGTGAGGTGGATTGGAGGTGGCTCAGTCCCCAGCCTTGTGCATAGG-3'
Protein context (NP_060233.3, residues 421-441): LQSTSQHPAA[Cys431Tyr]PVPLRRARPP

ClinVar aggregate classification (germline): Uncertain significance. Review status: criteria provided, multiple submitters, no conflicts (2 of 4 stars). 2 submissions from 2 submitters: Uncertain significance (2). Last evaluated 2024-12-03.

gnomAD v4.1: 2 of 1,613,948 alleles (0.00012%); highest among the groups gnomAD compares: Non-Finnish European, 0.000085%; no homozygotes.

Submissions (2):

Ambry Genetics
Classification: Uncertain significance. Last evaluated: 2024-12-03. Review status: criteria provided, single submitter. Criteria: Ambry Variant Classification Scheme 2023. Collection method: clinical testing. Allele origin: germline.
Comment: The p.C431Y variant (also known as c.1292G>A), located in coding exon 8 of the RNF43 gene, results from a G to A substitution at nucleotide position 1292. The cysteine at codon 431 is replaced by tyrosine, an amino acid with highly dissimilar properties. This amino acid position is conserved. In addition, this alteration is predicted to be tolerated by in silico analysis. Based on the available evidence, the clinical significance of this variant remains unclear.

GeneDx
Classification: Uncertain significance. Last evaluated: 2022-04-04. Review status: criteria provided, single submitter. Criteria: GeneDx Variant Classification Process June 2021. Collection method: clinical testing. Allele origin: germline. Affected: yes.
Comment: Not observed at significant frequency in large population cohorts (gnomAD); In silico analysis supports that this missense variant does not alter protein structure/function; Has not been previously published as pathogenic or benign to our knowledge; Variants in candidate genes are classified as variants of uncertain significance in accordance with ACMG guidelines (Richards 2015)